The following is an entry in ClinVar:

NM_006885.4(ZFHX3):c.5710G>A (p.Gly1904Ser)

Genes: ZFHX3 (zinc finger homeobox 3; minus strand), ZFHX3-AS1 (ZFHX3 antisense RNA 1; plus strand). Cytogenetic location: 16q22.2.
Variant type: single nucleotide variant.
Coding change: c.5710G>A on transcript NM_006885.4 (MANE Select); coding-DNA position 5710, G replaced by A.
Protein change: p.Gly1904Ser; replaces glycine 1904 with serine.
Molecular consequence: missense variant.
Genome position (GRCh38, 1-based): chr16:72,796,972, C>T on the plus strand (G>A on the coding strand, the complement: ZFHX3 is on the minus strand). VCF-style: chr16-72796972-C-T. GRCh37 (hg19) VCF-style: chr16-72830871-C-T.
Other names: c.5710G>A, p.Gly1904Ser (NM_001386735.1); c.2968G>A, p.Gly990Ser (NM_001164766.2); short protein forms G1904S, G990S.
Identifiers: ClinVar variation 4533621 (VCV004533621.6).

ClinVar aggregate classification (germline): Likely benign (1 of 4 stars; one submission).

gnomAD v4.1: 78 of 1,613,984 alleles (0.0048%); highest among the groups gnomAD compares: South Asian, 0.021%; 1 homozygote.

Submission:

CeGaT Center for Human Genetics Tuebingen
Classification: Likely benign. Last evaluated: 2025-11-01. Review status: criteria provided, single submitter. Criteria: CeGaT Center For Human Genetics Tuebingen Variant Classification Criteria Version 2. Collection method: clinical testing. Allele origin: germline. Affected: yes. Observed: 1 variant allele.
Comment: ZFHX3: BP4